The following is an entry in ClinVar:

ClinVar aggregate classification (germline): Pathogenic. Review status: criteria provided, single submitter (1 of 4 stars). 2 submissions from 2 submitters: Pathogenic (1). 1 of the submissions does not count toward it. Last evaluated 2019-01-25.

Conditions:
Retinal dystrophy. Also called: Inherited retinal dystrophy. Identifiers: Orphanet 71862, MedGen C0854723, MeSH D058499, MONDO:0019118, HP:0000556.

Submissions (2):

GeneDx
Classification: Pathogenic. Last evaluated: 2019-01-25. Review status: criteria provided, single submitter. Criteria: GeneDx Variant Classification (06012015). Collection method: clinical testing. Allele origin: germline. Affected: yes.
Comment: The W158X variant in the LRAT gene has been reported previously in the homozygous state in an individual with retinal disease (Ellingford et al., 2016). This variant is predicted to cause loss of normal protein function either through protein truncation or nonsense-mediated mRNA decay. The W158X variant is not observed in large population cohorts (Lek et al., 2016). We interpret W158X as a pathogenic variant.

Centre for Genomic Medicine, Manchester, Central Manchester University Hospitals
Classification: Likely pathogenic for Retinal dystrophy. Review status: no assertion criteria provided. Collection method: clinical testing. Allele origin: germline. Affected: yes. Not counted in ClinVar's aggregate classification.

NM_004744.5(LRAT):c.473G>A (p.Trp158Ter)

Gene: LRAT (lecithin retinol acyltransferase; plus strand). Cytogenetic location: 4q32.1.
Variant type: single nucleotide variant.
Coding change: c.473G>A on transcript NM_004744.5 (MANE Select); coding-DNA position 473, G replaced by A.
Protein change: p.Trp158Ter; replaces tryptophan 158 with a stop codon.
Molecular consequence: nonsense.
Genome position (GRCh38, 1-based): chr4:154,744,799, G>A. VCF-style: chr4-154744799-G-A. GRCh37 (hg19) VCF-style: chr4-155665951-G-A.
Other names: c.473G>A, p.Trp158Ter (NM_001301645.2); short protein forms W158*.
Identifiers: ClinVar variation 236451 (VCV000236451.1), dbSNP rs878853351, ClinGen allele CA10581662.
Genomic context (GRCh38, chr4:154,744,799, plus strand): 5'-ACGAGGAGGTGGCGCGGAGGGCTGAAAAGCTGCTGGGCTTTACCCCCTACAGCCTGCTGT[G>A]GAACAACTGCGAGCACTTCGTGACCTACTGCAGATATGGCACCCCGATCAGTCCCCAGTC-3'